The following is an entry in ClinVar:

ClinVar aggregate classification (germline): Pathogenic (1 of 4 stars; one submission).

Conditions:
LAMA2-related muscular dystrophy (LAMA2-RD). Also called: Laminin alpha 2-related dystrophy. Identifiers: MedGen C5679788, MONDO:0100228.

Submission:

Myriad Genetics, Inc.
Classification: Pathogenic for LAMA2-related muscular dystrophy. Last evaluated: 2024-09-03. Review status: criteria provided, single submitter. Criteria: Myriad Autosomal Dominant, Autosomal Recessive and X-Linked Classification Criteria (2023). Collection method: clinical testing. Allele origin: unknown.
Comment: NM_000426.3(LAMA2):c.3648_3649delGA(E1216Dfs*26) is expected to be pathogenic in the context of muscular dystrophy, LAMA2-related. This variant is predicted to lead to an abnormal or absent protein product due to the creation of a premature termination codon in LAMA2, a gene where loss-of-function variants are known to be pathogenic. Please note: this variant was assessed in the context of healthy population screening.

NM_000426.4(LAMA2):c.3648_3649del (p.Glu1216fs)

Gene: LAMA2 (laminin subunit alpha 2; plus strand). Cytogenetic location: 6q22.33.
Variant type: Microsatellite.
Coding change: c.3648_3649del on transcript NM_000426.4 (MANE Select); coding-DNA positions 3648 to 3649, 2 bases deleted (GA; older notation c.3648_3649delGA).
Protein change: p.Glu1216fs; shifts the reading frame from glutamic acid 1216.
Molecular consequence: frameshift variant.
Genome position (GRCh38, 1-based): chr6:129,315,568-129,315,569, GA deleted; deleting any 2 consecutive bases within chr6:129,315,565-129,315,569 gives the same sequence; the c. name uses the placement nearest the transcript's 3' end. VCF-style (leftmost placement, unchanged base first): chr6-129315564-CAG-C. GRCh37 (hg19) VCF-style: chr6-129636709-CAG-C.
Other names: c.3648_3649del, p.Glu1216fs (NM_001079823.2); short protein forms E1216fs.
Identifiers: ClinVar variation 5013522 (VCV005013522.1).